The following is an entry in ClinVar:

NM_001171613.2(PREPL):c.657T>G (p.Asp219Glu)

Gene: PREPL (prolyl endopeptidase like; minus strand). Cytogenetic location: 2p21.
Variant type: single nucleotide variant.
Coding change: c.657T>G on transcript NM_001171613.2 (MANE Select); coding-DNA position 657, T replaced by G.
Protein change: p.Asp219Glu; replaces aspartic acid 219 with glutamic acid.
Molecular consequence: missense variant.
Genome position (GRCh38, 1-based): chr2:44,339,192, A>C on the plus strand (T>G on the coding strand, the complement: PREPL is on the minus strand). VCF-style: chr2-44339192-A-C. GRCh37 (hg19) VCF-style: chr2-44566331-A-C.
Other names: c.924T>G, p.Asp308Glu (NM_001042385.2, NM_001042386.2, NM_001171603.1 and 4 more transcripts); c.657T>G, p.Asp219Glu (NM_001171617.1, NM_001374277.1); short protein forms D219E, D308E.
Identifiers: ClinVar variation 1507229 (VCV001507229.8), dbSNP rs762650967, ClinGen allele CA1641401.

ClinVar aggregate classification (germline): Uncertain significance (1 of 4 stars; one submission).

Conditions:
Myasthenic syndrome, congenital, 22 (CMS22). Also called: PREPL DEFICIENCY. Identifiers: MedGen C4479088, MONDO:0044299, OMIM 616224.

Allele frequency attached by ClinVar (database versions not stated): ExAC 0.00001; gnomAD exomes below 0.00001.
gnomAD v4.1: 1 of 1,614,054 alleles (0.000062%); highest among the groups gnomAD compares: Non-Finnish European, 0.000085%; no homozygotes.

Submission:

Labcorp Genetics (formerly Invitae), Labcorp
Classification: Uncertain significance for Myasthenic syndrome, congenital, 22. Last evaluated: 2026-01-14. Review status: criteria provided, single submitter. Criteria: Invitae Variant Classification Sherloc (09022015). Collection method: clinical testing. Allele origin: germline.
Comment: This sequence change replaces aspartic acid, which is acidic and polar, with glutamic acid, which is acidic and polar, at codon 308 of the PREPL protein (p.Asp308Glu). This variant is present in population databases (rs762650967, gnomAD 0.0009%). This variant has not been reported in the literature in individuals affected with PREPL-related conditions. ClinVar contains an entry for this variant (Variation ID: 1507229). Invitae Evidence Modeling of protein sequence and biophysical properties (such as structural, functional, and spatial information, amino acid conservation, physicochemical variation, residue mobility, and thermodynamic stability) indicates that this missense variant is not expected to disrupt PREPL protein function with a negative predictive value of 80%. In summary, the available evidence is currently insufficient to determine the role of this variant in disease. Therefore, it has been classified as a Variant of Uncertain Significance.